The following is an entry in ClinVar:

NM_000553.6(WRN):c.2101G>A (p.Ala701Thr)

Gene: WRN (WRN RecQ like helicase; plus strand). Cytogenetic location: 8p12.
Variant type: single nucleotide variant.
Coding change: c.2101G>A on transcript NM_000553.6 (MANE Select); coding-DNA position 2101, G replaced by A.
Protein change: p.Ala701Thr; replaces alanine 701 with threonine.
Molecular consequence: missense variant.
Genome position (GRCh38, 1-based): chr8:31,111,627, G>A. VCF-style: chr8-31111627-G-A. GRCh37 (hg19) VCF-style: chr8-30969143-G-A.
Other names: short protein forms A701T.
Identifiers: ClinVar variation 2855786 (VCV002855786.3), dbSNP rs2535968512, ClinGen allele CA370912390.

ClinVar aggregate classification (germline): Uncertain significance (1 of 4 stars; one submission).

Conditions:
Werner syndrome (WRN). Identifiers: Orphanet 902, MedGen C0043119, MONDO:0010196, OMIM 277700.

gnomAD v4.1: 1 of 1,613,942 alleles (0.000062%); no homozygotes.

Submission:

Labcorp Genetics (formerly Invitae), Labcorp
Classification: Uncertain significance for Werner syndrome. Last evaluated: 2025-07-14. Review status: criteria provided, single submitter. Criteria: Invitae Variant Classification Sherloc (09022015). Collection method: clinical testing. Allele origin: germline.
Comment: This sequence change replaces alanine, which is neutral and non-polar, with threonine, which is neutral and polar, at codon 701 of the WRN protein (p.Ala701Thr). This variant is not present in population databases (gnomAD no frequency). This variant has not been reported in the literature in individuals affected with WRN-related conditions. ClinVar contains an entry for this variant (Variation ID: 2855786). An algorithm developed to predict the effect of missense changes on protein structure and function (PolyPhen-2) suggests that this variant is likely to be disruptive. In summary, the available evidence is currently insufficient to determine the role of this variant in disease. Therefore, it has been classified as a Variant of Uncertain Significance.